The following is an entry in ClinVar:

ClinVar aggregate classification (germline): Pathogenic (1 of 4 stars; one submission).

Submission:

Labcorp Genetics (formerly Invitae), Labcorp
Classification: Pathogenic. Last evaluated: 2024-09-05. Review status: criteria provided, single submitter. Criteria: Invitae Variant Classification Sherloc (09022015). Collection method: clinical testing. Allele origin: germline.
Comment: This sequence change creates a premature translational stop signal (p.Ser2186*) in the CPLANE1 gene. It is expected to result in an absent or disrupted protein product. Loss-of-function variants in CPLANE1 are known to be pathogenic (PMID: 24178751, 26092869). This variant is not present in population databases (gnomAD no frequency). This variant has not been reported in the literature in individuals affected with CPLANE1-related conditions. For these reasons, this variant has been classified as Pathogenic.

Literature cited by the submitters: PubMed 24178751; PubMed 26092869.

NM_001384732.1(CPLANE1):c.6557C>A (p.Ser2186Ter)

Gene: CPLANE1 (ciliogenesis and planar polarity effector complex subunit 1; minus strand). Cytogenetic location: 5p13.2.
Variant type: single nucleotide variant.
Coding change: c.6557C>A on transcript NM_001384732.1 (MANE Select); coding-DNA position 6557, C replaced by A.
Protein change: p.Ser2186Ter; replaces serine 2186 with a stop codon.
Molecular consequence: nonsense.
Genome position (GRCh38, 1-based): chr5:37,169,467, G>T on the plus strand (C>A on the coding strand, the complement: CPLANE1 is on the minus strand). VCF-style: chr5-37169467-G-T. GRCh37 (hg19) VCF-style: chr5-37169569-G-T.
Other names: c.6557C>A, p.Ser2186Ter (NM_023073.4); short protein forms S2186*.
Identifiers: ClinVar variation 2754676 (VCV002754676.3), dbSNP rs779991759, ClinGen allele CA359480384.
Genomic context (GRCh38, chr5:37,169,467, plus strand): 5'-ACAACAGAAGGTGTGGACAAAAGGTAGAGGTGAGTATTTCCAGCAGGAGCTGGATAAAAC[G>T]AAGTGGATGGTAAGTTTTGAGATGATGGAATTGGTCCTTTTTTCCGGGGCTGGCCATTTA-3'